The following is an entry in ClinVar:

NM_000548.5(TSC2):c.518C>T (p.Ser173Phe)

Gene: TSC2 (TSC complex subunit 2; plus strand). Cytogenetic location: 16p13.3.
Variant type: single nucleotide variant.
Coding change: c.518C>T on transcript NM_000548.5 (MANE Select); coding-DNA position 518, C replaced by T.
Protein change: p.Ser173Phe; replaces serine 173 with phenylalanine.
Molecular consequence: missense variant. On other transcripts: intron variant (1).
Genome position (GRCh38, 1-based): chr16:2,055,438, C>T. VCF-style: chr16-2055438-C-T. GRCh37 (hg19) VCF-style: chr16-2105439-C-T.
Other names: c.518C>T, p.Ser173Phe (NM_001077183.3, NM_001114382.3, NM_001363528.2 and 3 more transcripts); c.407C>T, p.Ser136Phe (NM_001318827.2); c.371C>T, p.Ser124Phe (NM_001318829.2); c.551C>T, p.Ser184Phe (NM_001318832.2); c.-1-758C>T (NM_001318831.2); short protein forms S124F, S136F, S184F, S173F.
Identifiers: ClinVar variation 949320 (VCV000949320.14), dbSNP rs773662047, ClinGen allele CA054357.

ClinVar aggregate classification (germline): Conflicting classifications of pathogenicity. Review status: criteria provided, conflicting classifications (1 of 4 stars). 3 submissions from 3 submitters: Uncertain significance (2); Benign (1). Last evaluated 2025-03-05.

Conditions:
Hereditary cancer-predisposing syndrome. Also called: Hereditary neoplastic syndrome; Tumor predisposition; Neoplastic Syndromes, Hereditary; Hereditary Cancer Syndrome. Identifiers: Orphanet 140162, MedGen C0027672, MeSH D009386, MONDO:0015356.
Tuberous sclerosis syndrome (TSC). Also called: Tuberous Sclerosis Complex; Tuberous sclerosis. Identifiers: Orphanet 805, MedGen C0041341, MONDO:0001734.
Tuberous sclerosis 2 (TSC2). Identifiers: Orphanet 805, MedGen C1860707, MONDO:0013199, OMIM 613254.

Allele frequency attached by ClinVar (database versions not stated): gnomAD exomes below 0.00001; ExAC 0.00001.
gnomAD v4.1: 1 of 1,614,202 alleles (0.000062%); highest among the groups gnomAD compares: Non-Finnish European, 0.000085%; no homozygotes.

Submissions (3):

Ambry Genetics
Classification: Uncertain significance for Hereditary cancer-predisposing syndrome. Last evaluated: 2025-03-05. Review status: criteria provided, single submitter. Criteria: Ambry Variant Classification Scheme 2023. Collection method: clinical testing. Allele origin: germline.
Comment: The p.S173F variant (also known as c.518C>T), located in coding exon 5 of the TSC2 gene, results from a C to T substitution at nucleotide position 518. The serine at codon 173 is replaced by phenylalanine, an amino acid with highly dissimilar properties. This amino acid position is not well conserved in available vertebrate species. In addition, the in silico prediction for this alteration is inconclusive. Based on the available evidence, the clinical significance of this variant remains unclear.

All of Us Research Program, National Institutes of Health
Classification: Uncertain significance for Tuberous sclerosis syndrome. Last evaluated: 2023-05-08. Review status: criteria provided, single submitter. Criteria: ACMG Guidelines, 2015. Collection method: clinical testing. Allele origin: germline. Inheritance: Autosomal dominant inheritance. Observed: 1 variant allele, 1 heterozygote.
Comment: This study involves interpretation of variants in research participants for the purpose of population health screening. Participant phenotype was not available at the time of variant classification. Additional details can be found in publication PMID: 35346344, PMCID: PMC8962531

Labcorp Genetics (formerly Invitae), Labcorp
Classification: Benign for Tuberous sclerosis 2. Last evaluated: 2022-08-15. Review status: criteria provided, single submitter. Criteria: Invitae Variant Classification Sherloc (09022015). Collection method: clinical testing. Allele origin: germline.